The following is an entry in ClinVar:

NM_002439.5(MSH3):c.3184G>A (p.Gly1062Arg)

Gene: MSH3 (mutS homolog 3; plus strand). Cytogenetic location: 5q14.1.
Variant type: single nucleotide variant.
Coding change: c.3184G>A on transcript NM_002439.5 (MANE Select); coding-DNA position 3184, G replaced by A.
Protein change: p.Gly1062Arg; replaces glycine 1062 with arginine.
Molecular consequence: missense variant.
Genome position (GRCh38, 1-based): chr5:80,873,169, G>A. VCF-style: chr5-80873169-G-A. GRCh37 (hg19) VCF-style: chr5-80168988-G-A.
Other names: short protein forms G1062R.
Identifiers: ClinVar variation 823116 (VCV000823116.18), dbSNP rs756886395, ClinGen allele CA3328478.

ClinVar aggregate classification (germline): Uncertain significance. Review status: criteria provided, multiple submitters, no conflicts (2 of 4 stars). 6 submissions from 6 submitters: Uncertain significance (5). 1 of the submissions does not count toward it. Last evaluated 2026-01-26.

Conditions:
Endometrial carcinoma. Also called: Endometrial carcinoma, somatic. Identifiers: MedGen C0476089, MONDO:0002447, OMIM 608089, HP:0012114.
MSH3-related disorder. Also called: MSH3-related condition.
Hereditary cancer-predisposing syndrome. Also called: Tumor predisposition; Hereditary Cancer Syndrome; Neoplastic Syndromes, Hereditary; Hereditary neoplastic syndrome. Identifiers: Orphanet 140162, MedGen C0027672, MeSH D009386, MONDO:0015356.

Allele frequency attached by ClinVar (database versions not stated): ExAC 0.00003; gnomAD 0.00009; TOPMed 0.00010.
gnomAD v4.1: 15 of 1,613,716 alleles (0.00093%); highest among the groups gnomAD compares: African/African-American, 0.019%; no homozygotes.

Submissions (6):

Labcorp Genetics (formerly Invitae), Labcorp
Classification: Uncertain significance. Last evaluated: 2026-01-26. Review status: criteria provided, single submitter. Criteria: Invitae Variant Classification Sherloc (09022015). Collection method: clinical testing. Allele origin: germline.
Comment: This sequence change replaces glycine, which is neutral and non-polar, with arginine, which is basic and polar, at codon 1062 of the MSH3 protein (p.Gly1062Arg). This variant is present in population databases (rs756886395, gnomAD 0.03%). This missense change has been observed in individual(s) with clinical features of MSH3-related conditions (PMID: 28944238). ClinVar contains an entry for this variant (Variation ID: 823116). An algorithm developed to predict the effect of missense changes on protein structure and function (PolyPhen-2) suggests that this variant is likely to be disruptive. In summary, the available evidence is currently insufficient to determine the role of this variant in disease. Therefore, it has been classified as a Variant of Uncertain Significance.

Quest Diagnostics Nichols Institute San Juan Capistrano
Classification: Uncertain significance. Last evaluated: 2024-07-24. Review status: criteria provided, single submitter. Criteria: Quest Diagnostics criteria. Collection method: clinical testing. Allele origin: unknown.
Comment: The MSH3 c.3184G>A (p.Gly1062Arg) variant has been reported in the published literature in African American individuals with colorectal cancer (PMIDs: 29245953 (2017), 28944238 (2017)). The frequency of this variant in the general population, 0.00032 (8/24972 chromosomes (Genome Aggregation Database)), is uninformative in the assessment of its pathogenicity. Analysis of this variant using bioinformatics tools for the prediction of the effect of amino acid changes on protein structure and function yielded predictions that this variant is damaging. Based on the available information, we are unable to determine the clinical significance of this variant.

Baylor Genetics
Classification: Uncertain significance for Endometrial carcinoma. Last evaluated: 2024-03-13. Review status: criteria provided, single submitter. Criteria: ACMG Guidelines, 2015. Collection method: clinical testing. Allele origin: unknown.

Ambry Genetics
Classification: Uncertain significance for Hereditary cancer-predisposing syndrome. Last evaluated: 2024-02-02. Review status: criteria provided, single submitter. Criteria: Ambry Variant Classification Scheme 2023. Collection method: clinical testing. Allele origin: germline.
Comment: The p.G1062R variant (also known as c.3184G>A), located in coding exon 23 of the MSH3 gene, results from a G to A substitution at nucleotide position 3184. The glycine at codon 1062 is replaced by arginine, an amino acid with dissimilar properties. This alteration has been reported in an individual diagnosed with colorectal cancer (DeRycke MS et al. Mol Genet Genomic Med, 2017 Sep;5:553-569). This amino acid position is highly conserved in available vertebrate species. In addition, this alteration is predicted to be deleterious by in silico analysis. Since supporting evidence is limited at this time, the clinical significance of this alteration remains unclear.

Sema4
Classification: Uncertain significance for Hereditary cancer-predisposing syndrome. Last evaluated: 2021-12-21. Review status: criteria provided, single submitter. Criteria: Sema4 Curation Guidelines. Collection method: curation. Allele origin: germline.
Comment: The MSH3 c.3184G>A (p.G1062R) variant has been reported in heterozygosity in at least 1 individual with colorectal cancer (PMID: 28944238). It was observed in 8/24972 chromosomes of the African/African American (AFR) subpopulation in the large and broad cohorts of the Genome Aggregation Database (PMID: 32461654). This variant has been reported in ClinVar (Variation ID 823116). In silico tools suggest the impact of the variant on protein function is deleterious, though these predictions have not been confirmed by functional studies. The evidence is insufficient to meet ACMG/AMP criteria for classifying the variant as benign or pathogenic. Thus, the clinical significance of this variant is currently uncertain.

PreventionGenetics, part of Exact Sciences
Classification: Uncertain significance for MSH3-related condition. Last evaluated: 2024-02-20. Review status: no assertion criteria provided. Collection method: clinical testing. Allele origin: germline. Not counted in ClinVar's aggregate classification.
Comment: The MSH3 c.3184G>A variant is predicted to result in the amino acid substitution p.Gly1062Arg. This variant has been reported in an individual with a history of colorectal cancer (Table S2, DeRycke et al. 2017. PubMed ID: 28944238). This variant is reported in 0.032% of alleles in individuals of African descent in gnomAD and is interpreted as uncertain in ClinVar. At this time, the clinical significance of this variant is uncertain due to the absence of conclusive functional and genetic evidence.

Literature cited by the submitters: PubMed 28944238 (cited by 4 submitters); PubMed 29245953 (cited by Quest Diagnostics Nichols Institute San Juan Capistrano).